The following is an entry in ClinVar:

NM_006231.4(POLE):c.3582+17A>G

Gene: POLE (DNA polymerase epsilon, catalytic subunit; minus strand). Cytogenetic location: 12q24.33.
Variant type: single nucleotide variant.
Coding change: c.3582+17A>G on transcript NM_006231.4 (MANE Select); 17 bases into the intron after coding-DNA position 3582, A replaced by G.
Molecular consequence: intron variant.
Genome position (GRCh38, 1-based): chr12:132,657,119, T>C on the plus strand (A>G on the coding strand, the complement: POLE is on the minus strand). VCF-style: chr12-132657119-T-C. GRCh37 (hg19) VCF-style: chr12-133233705-T-C.
Identifiers: ClinVar variation 380211 (VCV000380211.37), dbSNP rs5744889, ClinGen allele CA6893188.

ClinVar aggregate classification (germline): Benign. Review status: criteria provided, multiple submitters, no conflicts (2 of 4 stars). 13 submissions from 12 submitters: Benign (11). 2 of the submissions do not count toward it. Last evaluated 2026-02-04.

Conditions:
Hereditary cancer-predisposing syndrome. Also called: Tumor predisposition; Neoplastic Syndromes, Hereditary; Hereditary neoplastic syndrome; Hereditary Cancer Syndrome. Identifiers: Orphanet 140162, MedGen C0027672, MeSH D009386, MONDO:0015356.
Facial dysmorphism-immunodeficiency-livedo-short stature syndrome. Also called: Facial dysmorphism, immunodeficiency, livedo, and short stature; FILS syndrome. Identifiers: Orphanet 352712, MedGen C3554576, MONDO:0014058, OMIM 615139.
Intrauterine growth retardation, metaphyseal dysplasia, adrenal hypoplasia congenita, genital anomalies, and immunodeficiency. Also called: IMAGEI SYNDROME. Identifiers: MedGen C5193036, MONDO:0032684, OMIM 618336.
Colorectal cancer, susceptibility to, 12 (CRCS12). Also called: COLORECTAL CANCER, SUSCEPTIBILITY TO, ON CHROMOSOME 12q24. Identifiers: Orphanet 220460, MedGen C3554460, MONDO:0014038, OMIM 615083.

Allele frequency attached by ClinVar (database versions not stated): gnomAD exomes 0.96311 and 0.97136; ExAC 0.97117; ESP Exome Variant Server 0.97294; gnomAD 0.97458 and 0.97472; TOPMed 0.97595; 1000 Genomes Project 0.98383; 1000 Genomes Project 30x 0.98407.
gnomAD v4.1: 1,555,933 of 1,613,426 alleles (96%); highest among the groups gnomAD compares: East Asian, 100%; 750,395 homozygotes.

Submissions (13):

Labcorp Genetics (formerly Invitae), Labcorp
Classification: Benign. Last evaluated: 2026-02-04. Review status: criteria provided, single submitter. Criteria: Invitae Variant Classification Sherloc (09022015). Collection method: clinical testing. Allele origin: germline.

ARUP Laboratories, Molecular Genetics and Genomics, ARUP Laboratories
Classification: Benign. Last evaluated: 2025-07-30. Review status: criteria provided, single submitter. Criteria: ARUP Molecular Germline Variant Investigation Process 2024. Collection method: clinical testing. Allele origin: germline.

Blueprint Genetics
Classification: Benign. Last evaluated: 2024-11-27. Review status: criteria provided, single submitter. Criteria: ACMG Guidelines, 2015. Collection method: clinical testing. Allele origin: germline.

KCCC/NGS Laboratory, Kuwait Cancer Control Center
Classification: Benign for Colorectal cancer, susceptibility to, 12. Last evaluated: 2023-07-07. Review status: criteria provided, single submitter. Criteria: ACMG Guidelines, 2015. Collection method: clinical testing. Allele origin: germline. Affected: yes.

Genome-Nilou Lab
Classification: Benign for Facial dysmorphism-immunodeficiency-livedo-short stature syndrome. Last evaluated: 2021-10-25. Review status: criteria provided, single submitter. Criteria: ACMG Guidelines, 2015. Collection method: clinical testing. Allele origin: germline. Affected: no.

Genome-Nilou Lab
Classification: Benign for Intrauterine growth retardation, metaphyseal dysplasia, adrenal hypoplasia congenita, genital anomalies, and immunodeficiency. Last evaluated: 2021-10-25. Review status: criteria provided, single submitter. Criteria: ACMG Guidelines, 2015. Collection method: clinical testing. Allele origin: germline. Affected: no.

PreventionGenetics, part of Exact Sciences
Classification: Benign. Last evaluated: 2016-10-03. Review status: criteria provided, single submitter. Criteria: ACMG Guidelines, 2015. Collection method: clinical testing. Allele origin: germline.

Women's Health and Genetics/Laboratory Corporation of America, LabCorp
Classification: Benign. Last evaluated: 2016-05-19. Review status: criteria provided, single submitter. Criteria: LabCorp Variant Classification Summary - May 2015. Collection method: clinical testing. Allele origin: germline.
Comment: Variant summary: The POLE c.3582+17A>G variant involves the alteration of a non-conserved intronic nucleotide. One in silico tool predicts a benign outcome for this variant. 5/5 splice prediction tools predict no significant impact on normal splicing. This variant was found in 117844/121342 control chromosomes (57239 homozygotes) at a frequency of 0.9711724, which is approximately 68370 times the estimated maximal expected allele frequency of a pathogenic POLE variant (0.0000142), indicating this variant is the common allele and a benign polymorphism. Taken together, this variant is classified as benign.

GeneDx
Classification: Benign. Last evaluated: 2015-10-30. Review status: criteria provided, single submitter. Criteria: GeneDx Variant Classification (06012015). Collection method: clinical testing. Allele origin: germline. Affected: yes.
Comment: This variant is considered likely benign or benign based on one or more of the following criteria: it is a conservative change, it occurs at a poorly conserved position in the protein, it is predicted to be benign by multiple in silico algorithms, and/or has population frequency not consistent with disease.

Ambry Genetics
Classification: Benign for Hereditary cancer-predisposing syndrome. Last evaluated: 2015-06-03. Review status: criteria provided, single submitter. Criteria: Ambry Variant Classification Scheme 2023. Collection method: clinical testing. Allele origin: germline.

Breakthrough Genomics
Classification: Benign. Review status: criteria provided, single submitter. Criteria: ACMG Guidelines, 2015. Collection method: not provided. Allele origin: germline. Inheritance: Autosomal recessive inheritance. Affected: yes.

Clinical Genetics, Academic Medical Center
Classification: Benign. Review status: no assertion criteria provided. Collection method: clinical testing. Allele origin: germline. Affected: yes. Study: VKGL Data-share Consensus. Not counted in ClinVar's aggregate classification.

Joint Genome Diagnostic Labs from Nijmegen and Maastricht, Radboudumc and MUMC+
Classification: Benign. Review status: no assertion criteria provided. Collection method: clinical testing. Allele origin: germline. Affected: yes. Study: VKGL Data-share Consensus. Not counted in ClinVar's aggregate classification.